The following is an entry in ClinVar:

NM_001165963.4(SCN1A):c.2618G>C (p.Trp873Ser)

Gene: SCN1A (sodium voltage-gated channel alpha subunit 1; minus strand). Cytogenetic location: 2q24.3.
Variant type: single nucleotide variant.
Coding change: c.2618G>C on transcript NM_001165963.4 (MANE Select); coding-DNA position 2618, G replaced by C.
Protein change: p.Trp873Ser; replaces tryptophan 873 with serine.
Molecular consequence: missense variant. On other transcripts: non-coding transcript variant (1).
Genome position (GRCh38, 1-based): chr2:166,038,104, C>G on the plus strand (G>C on the coding strand, the complement: SCN1A is on the minus strand). VCF-style: chr2-166038104-C-G. GRCh37 (hg19) VCF-style: chr2-166894614-C-G.
Other names: c.2534G>C, p.Trp845Ser (NM_001165964.3, NM_001353958.2, NM_001353957.2); c.2531G>C, p.Trp844Ser (NM_001353960.2); c.176G>C, p.Trp59Ser (NM_001353961.2); c.2585G>C, p.Trp862Ser (NM_006920.6, NM_001353949.2, NM_001353950.2 and 2 more transcripts); c.2618G>C, p.Trp873Ser (NM_001202435.3, NM_001353948.2); c.2582G>C, p.Trp861Ser (NM_001353954.2, NM_001353955.2); short protein forms W59S, W861S, W873S, W862S, W844S, W845S.
Identifiers: ClinVar variation 2036406 (VCV002036406.4), dbSNP rs2105808640, ClinGen allele CA349061740.
Genomic context (GRCh38, chr2:166,038,104, plus strand): 5'-AAATTTCCCAGAGCCCCCACGGAATTGCCGATGATCTTTATTAGCATATTTAACGTTGGC[C>G]AAGATTTTGCCAACTTGAAAACTCGCAGCTGGAAAATGAAAGATTAATATATATTTGTAT-3'
Protein context (NP_001159435.1, residues 863-883): LLRVFKLAKS[Trp873Ser]PTLNMLIKII

ClinVar aggregate classification (germline): Likely pathogenic (1 of 4 stars; one submission).

Conditions:
Early-infantile DEE. Also called: Ohtahara syndrome; Early infantile epileptic encephalopathy with suppression bursts; Early infantile epileptic encephalopathy. Identifiers: Orphanet 1934, MedGen C0393706, MONDO:0800491.

Submission:

Labcorp Genetics (formerly Invitae), Labcorp
Classification: Likely pathogenic for Early-infantile DEE. Last evaluated: 2022-10-21. Review status: criteria provided, single submitter. Criteria: Invitae Variant Classification Sherloc (09022015). Collection method: clinical testing. Allele origin: germline.
Comment: This variant is not present in population databases (gnomAD no frequency). This variant has not been reported in the literature in individuals affected with SCN1A-related conditions. Advanced modeling of protein sequence and biophysical properties (such as structural, functional, and spatial information, amino acid conservation, physicochemical variation, residue mobility, and thermodynamic stability) performed at Invitae indicates that this missense variant is expected to disrupt SCN1A protein function. This variant disrupts the p.Trp873 amino acid residue in SCN1A. Other variant(s) that disrupt this residue have been determined to be pathogenic (PMID: 31302675; Invitae). This suggests that this residue is clinically significant, and that variants that disrupt this residue are likely to be disease-causing. In summary, the currently available evidence indicates that the variant is pathogenic, but additional data are needed to prove that conclusively. Therefore, this variant has been classified as Likely Pathogenic. This sequence change replaces tryptophan, which is neutral and slightly polar, with serine, which is neutral and polar, at codon 873 of the SCN1A protein (p.Trp873Ser).

Literature cited by the submitters: PubMed 31302675.